The following is an entry in ClinVar:

NM_012106.4(ARL2BP):c.166G>A (p.Glu56Lys)

Gene: ARL2BP (ARF like GTPase 2 binding protein; plus strand). Cytogenetic location: 16q13.
Variant type: single nucleotide variant.
Coding change: c.166G>A on transcript NM_012106.4 (MANE Select); coding-DNA position 166, G replaced by A.
Protein change: p.Glu56Lys; replaces glutamic acid 56 with lysine.
Molecular consequence: missense variant.
Genome position (GRCh38, 1-based): chr16:57,248,602, G>A. VCF-style: chr16-57248602-G-A. GRCh37 (hg19) VCF-style: chr16-57282514-G-A.
Other names: short protein forms E56K.
Identifiers: ClinVar variation 2008345 (VCV002008345.4), dbSNP rs1320058661, ClinGen allele CA396021775.

ClinVar aggregate classification (germline): Uncertain significance (1 of 4 stars; one submission).

gnomAD v4.1: 1 of 1,602,982 alleles (0.000062%); highest among the groups gnomAD compares: Admixed American, 0.0017%; no homozygotes.

Submission:

Labcorp Genetics (formerly Invitae), Labcorp
Classification: Uncertain significance. Last evaluated: 2022-06-19. Review status: criteria provided, single submitter. Criteria: Invitae Variant Classification Sherloc (09022015). Collection method: clinical testing. Allele origin: germline.
Comment: In summary, the available evidence is currently insufficient to determine the role of this variant in disease. Therefore, it has been classified as a Variant of Uncertain Significance. Algorithms developed to predict the effect of missense changes on protein structure and function are either unavailable or do not agree on the potential impact of this missense change (SIFT: "Deleterious"; PolyPhen-2: "Possibly Damaging"; Align-GVGD: "Class C0"). This variant has not been reported in the literature in individuals affected with ARL2BP-related conditions. This variant is not present in population databases (gnomAD no frequency). This sequence change replaces glutamic acid, which is acidic and polar, with lysine, which is basic and polar, at codon 56 of the ARL2BP protein (p.Glu56Lys).